The following is an entry in ClinVar:

ClinVar aggregate classification (germline): Uncertain significance (1 of 4 stars; one submission).

Conditions:
Emery-Dreifuss muscular dystrophy 5, autosomal dominant (EDMD5). Also called: EMERY-DREIFUSS MUSCULAR DYSTROPHY 5. Identifiers: Orphanet 261, MedGen C2751805, MONDO:0013072, OMIM 612999.

gnomAD v4.1: 2 of 1,614,090 alleles (0.00012%); highest among the groups gnomAD compares: Admixed American, 0.0017%; no homozygotes.

Submission:

Labcorp Genetics (formerly Invitae), Labcorp
Classification: Uncertain significance for Emery-Dreifuss muscular dystrophy 5, autosomal dominant. Last evaluated: 2022-10-12. Review status: criteria provided, single submitter. Criteria: Invitae Variant Classification Sherloc (09022015). Collection method: clinical testing. Allele origin: germline.
Comment: This sequence change replaces leucine, which is neutral and non-polar, with phenylalanine, which is neutral and non-polar, at codon 2489 of the SYNE2 protein (p.Leu2489Phe). This variant is present in population databases (no rsID available, gnomAD 0.003%). This variant has not been reported in the literature in individuals affected with SYNE2-related conditions. Algorithms developed to predict the effect of missense changes on protein structure and function are either unavailable or do not agree on the potential impact of this missense change (SIFT: "Tolerated"; PolyPhen-2: "Possibly Damaging"; Align-GVGD: "Class C0"). Algorithms developed to predict the effect of sequence changes on RNA splicing suggest that this variant may create or strengthen a splice site. In summary, the available evidence is currently insufficient to determine the role of this variant in disease. Therefore, it has been classified as a Variant of Uncertain Significance.

NM_182914.3(SYNE2):c.7467G>T (p.Leu2489Phe)

Gene: SYNE2 (spectrin repeat containing nuclear envelope protein 2; plus strand). Cytogenetic location: 14q23.2.
Variant type: single nucleotide variant.
Coding change: c.7467G>T on transcript NM_182914.3 (MANE Select); coding-DNA position 7467, G replaced by T.
Protein change: p.Leu2489Phe; replaces leucine 2489 with phenylalanine.
Molecular consequence: missense variant.
Genome position (GRCh38, 1-based): chr14:64,049,700, G>T. VCF-style: chr14-64049700-G-T. GRCh37 (hg19) VCF-style: chr14-64516418-G-T.
Other names: c.7467G>T, p.Leu2489Phe (NM_015180.6); short protein forms L2489F.
Identifiers: ClinVar variation 2036988 (VCV002036988.4), dbSNP rs143031135, ClinGen allele CA389958918.